The following is an entry in ClinVar:

ClinVar aggregate classification (germline): Uncertain significance (1 of 4 stars; one submission).

Conditions:
Intellectual developmental disorder, autosomal recessive 58. Also called: Intellectual disability, autosomal recessive 58. Identifiers: MedGen C4310641, MONDO:0014996, OMIM 617270.

Submission:

Juno Genomics, Hangzhou Juno Genomics, Inc
Classification: Uncertain significance for Intellectual developmental disorder, autosomal recessive 58. Review status: criteria provided, single submitter. Criteria: ACMG Guidelines, 2015. Collection method: clinical testing. Allele origin: germline.
Comment: Absent from controls (or at extremely low frequency if recessive) in Genome Aggregation Database.;Multiple lines of computational evidence support a deleterious effect on the gene or gene product.

NM_018255.4(ELP2):c.2452A>G (p.Ile818Val)

Gene: ELP2 (elongator acetyltransferase complex subunit 2; plus strand). Cytogenetic location: 18q12.2.
Variant type: single nucleotide variant.
Coding change: c.2452A>G on transcript NM_018255.4 (MANE Select); coding-DNA position 2452, A replaced by G.
Protein change: p.Ile818Val; replaces isoleucine 818 with valine.
Molecular consequence: missense variant. On other transcripts: non-coding transcript variant (4).
Genome position (GRCh38, 1-based): chr18:36,174,612, A>G. VCF-style: chr18-36174612-A-G. GRCh37 (hg19) VCF-style: chr18-33754575-A-G.
Other names: c.2647A>G, p.Ile883Val (NM_001242875.3); c.2437A>G, p.Ile813Val (NM_001242876.3); c.2374A>G, p.Ile792Val (NM_001242877.3); c.2242A>G, p.Ile748Val (NM_001242878.3, NM_001242879.3); c.2320A>G, p.Ile774Val (NM_001324465.2); c.2569A>G, p.Ile857Val (NM_001324466.2); c.2302A>G, p.Ile768Val (NM_001324467.2); c.2005A>G, p.Ile669Val (NM_001324468.2); short protein forms I813V, I774V, I748V, I768V, I818V, I857V, I883V, I669V.
Identifiers: ClinVar variation 5005882 (VCV005005882.2).